The following is an entry in ClinVar:

ClinVar aggregate classification (germline): Uncertain significance (1 of 4 stars; one submission).

Conditions:
Hereditary hyperekplexia. Identifiers: Orphanet 3197, MedGen C4084968, MONDO:0021022.

Allele frequency attached by ClinVar (database versions not stated): TOPMed 0.00002.
gnomAD v4.1: 4 of 1,613,352 alleles (0.00025%); highest among the groups gnomAD compares: African/African-American, 0.004%; no homozygotes.

Submission:

Labcorp Genetics (formerly Invitae), Labcorp
Classification: Uncertain significance for Hereditary hyperekplexia. Last evaluated: 2024-10-08. Review status: criteria provided, single submitter. Criteria: Invitae Variant Classification Sherloc (09022015). Collection method: clinical testing. Allele origin: germline.
Comment: This sequence change replaces glutamic acid, which is acidic and polar, with glutamine, which is neutral and polar, at codon 403 of the GLRA1 protein (p.Glu403Gln). This variant is present in population databases (no rsID available, gnomAD 0.007%). This variant has not been reported in the literature in individuals affected with GLRA1-related conditions. Invitae Evidence Modeling of protein sequence and biophysical properties (such as structural, functional, and spatial information, amino acid conservation, physicochemical variation, residue mobility, and thermodynamic stability) indicates that this missense variant is not expected to disrupt GLRA1 protein function with a negative predictive value of 80%. In summary, the available evidence is currently insufficient to determine the role of this variant in disease. Therefore, it has been classified as a Variant of Uncertain Significance.

NM_000171.4(GLRA1):c.1207G>C (p.Glu403Gln)

Gene: GLRA1 (glycine receptor alpha 1; minus strand). Cytogenetic location: 5q33.1.
Variant type: single nucleotide variant.
Coding change: c.1207G>C on transcript NM_000171.4 (MANE Select); coding-DNA position 1207, G replaced by C.
Protein change: p.Glu403Gln; replaces glutamic acid 403 with glutamine.
Molecular consequence: missense variant.
Genome position (GRCh38, 1-based): chr5:151,822,816, C>G on the plus strand (G>C on the coding strand, the complement: GLRA1 is on the minus strand). VCF-style: chr5-151822816-C-G. GRCh37 (hg19) VCF-style: chr5-151202377-C-G.
Other names: c.1231G>C, p.Glu411Gln (NM_001146040.2); c.958G>C, p.Glu320Gln (NM_001292000.2); short protein forms E411Q, E320Q, E403Q.
Identifiers: ClinVar variation 2697202 (VCV002697202.3), dbSNP rs1338131195, ClinGen allele CA361849924.